The following is an entry in ClinVar:

NM_019009.4(TOLLIP):c.184-1067G>C

Gene: TOLLIP (toll interacting protein; minus strand). Cytogenetic location: 11p15.5.
Variant type: single nucleotide variant.
Coding change: c.184-1067G>C on transcript NM_019009.4 (MANE Select); 1067 bases into the intron before coding-DNA position 184, G replaced by C.
Molecular consequence: intron variant.
Genome position (GRCh38, 1-based): chr11:1,291,476, C>G on the plus strand (G>C on the coding strand, the complement: TOLLIP is on the minus strand). VCF-style: chr11-1291476-C-G. GRCh37 (hg19) VCF-style: chr11-1312706-C-G.
Other names: c.34-1067G>C (NM_001318512.2); c.183+4169G>C (NM_001318515.2); c.184-2700G>C (NM_001318516.2); c.-24-1067G>C (NM_001318514.2).
Identifiers: ClinVar variation 1162781 (VCV001162781.4), dbSNP rs111521887, ClinGen allele CA13369510.

ClinVar aggregate classification (germline): Uncertain significance; association. Review status: no assertion criteria provided (0 of 4 stars). 4 submissions from 1 submitter: Uncertain significance (3). Last evaluated 2024-05-13.

Conditions:
Chronic obstructive pulmonary disease. Also called: Chronic pulmonary obstruction. Identifiers: MedGen C0024117, MeSH D029424, MONDO:0005002, OMIM 606963, HP:0006510.
Interstitial lung disease 2 (ILD2). Also called: FIBROCYSTIC PULMONARY DYSPLASIA; FIBROSING ALVEOLITIS, CRYPTOGENIC; Familial idiopathic pulmonary fibrosis. Identifiers: Orphanet 2032, Orphanet 79126, MedGen C5561926, MONDO:0800497, OMIM 178500, MONDO:0800029.
Combined pulmonary fibrosis-emphysema syndrome. Also called: Pulmonary emphysema co-occurrent with fibrosis of lung. Identifiers: Orphanet 300564, MedGen C3872815, MONDO:0017591.
Susceptibility to severe coronavirus disease (COVID-19). Also called: Susceptibility to severe coronavirus disease COVID-19.

Allele frequency attached by ClinVar (database versions not stated): 1000 Genomes Project 30x 0.07417; gnomAD 0.12212 and 0.12301; 1000 Genomes Project 0.07268; TOPMed 0.11068.
gnomAD v4.1: 18,405 of 150,258 alleles (12%); highest among the groups gnomAD compares: Non-Finnish European, 18%; 1,480 homozygotes.

Submissions (4):

Pneumogenomics Laboratory, Instituto Nacional de Enfermedades Respiratorias Ismael Cosio Villegas
Classification: Uncertain significance for Susceptibility to severe coronavirus disease COVID-19. Last evaluated: 2024-05-13. Review status: no assertion criteria provided. Collection method: research. Allele origin: germline. Affected: yes.
Comment: The NC_000011.10:g.1291476C>G (rs111521887) is an intron variant in TOLLIP (toll interacting protein) that has been associated with idiopathic pulmonary fibrosis and other lung diseases. We evaluated this variant in 923 patients with COVID-19 and we did not find any association with mortality or severity risk. Due to the lack of association of the variant with the studied phenotypes, it was classified as uncertain significance.

Pneumogenomics Laboratory, Instituto Nacional de Enfermedades Respiratorias Ismael Cosio Villegas
Classification: association for Idiopathic Pulmonary Fibrosis. Last evaluated: 2021-05-04. Review status: no assertion criteria provided. Collection method: case-control. Allele origin: germline. Affected: yes.

Pneumogenomics Laboratory, Instituto Nacional de Enfermedades Respiratorias Ismael Cosio Villegas
Classification: Uncertain significance for Chronic obstructive pulmonary disease. Last evaluated: 2021-05-04. Review status: no assertion criteria provided. Collection method: case-control. Allele origin: germline. Affected: yes.

Pneumogenomics Laboratory, Instituto Nacional de Enfermedades Respiratorias Ismael Cosio Villegas
Classification: Uncertain significance for Combined pulmonary fibrosis-emphysema syndrome. Last evaluated: 2021-05-04. Review status: no assertion criteria provided. Collection method: case-control. Allele origin: germline. Affected: yes.